The following is an entry in ClinVar:

ClinVar aggregate classification (germline): Conflicting classifications of pathogenicity. Review status: criteria provided, conflicting classifications (1 of 4 stars). 3 submissions from 3 submitters: Uncertain significance (1); Likely benign (2). Last evaluated 2025-07-07.

Conditions:
FDXR-related disorder. Also called: FDXR-related condition; FDXR-related disorders.

Submissions (3):

PreventionGenetics, part of Exact Sciences
Classification: Likely benign for FDXR-related condition. Last evaluated: 2025-07-07. Review status: criteria provided, single submitter. Criteria: ACMG Guidelines, 2015. Collection method: clinical testing. Allele origin: germline.
Comment: This variant is classified as likely benign based on ACMG/AMP sequence variant interpretation guidelines (Richards et al. 2015 PMID: 25741868, with internal and published modifications).

Greenwood Genetic Center Diagnostic Laboratories, Greenwood Genetic Center
Classification: Uncertain significance. Last evaluated: 2025-02-04. Review status: criteria provided, single submitter. Criteria: ACMG Guidelines, 2015. Collection method: clinical testing. Allele origin: germline.
Comment: No Applicable ACMG Criteria

Blueprint Genetics
Classification: Likely benign. Last evaluated: 2024-06-18. Review status: criteria provided, single submitter. Criteria: ACMG Guidelines, 2015. Collection method: clinical testing. Allele origin: germline.

NM_024417.5(FDXR):c.1331T>G (p.Leu444Arg)

Gene: FDXR (ferredoxin reductase; minus strand). Cytogenetic location: 17q25.1.
Variant type: single nucleotide variant.
Coding change: c.1331T>G on transcript NM_024417.5 (MANE Select); coding-DNA position 1331, T replaced by G.
Protein change: p.Leu444Arg; replaces leucine 444 with arginine.
Molecular consequence: missense variant. On other transcripts: non-coding transcript variant (1).
Genome position (GRCh38, 1-based): chr17:74,863,090, A>C on the plus strand (T>G on the coding strand, the complement: FDXR is on the minus strand). VCF-style: chr17-74863090-A-C. GRCh37 (hg19) VCF-style: chr17-72859212-A-C.
Other names: c.1460T>G, p.Leu487Arg (NM_001258012.4); c.1424T>G, p.Leu475Arg (NM_001258013.4); c.1307T>G, p.Leu436Arg (NM_001258014.4); c.1211T>G, p.Leu404Arg (NM_001258015.3); c.1175T>G, p.Leu392Arg (NM_001258016.3); c.1349T>G, p.Leu450Arg (NM_004110.6); c.1331T>G (NM_024417.4); short protein forms L392R, L404R, L436R, L444R, L450R, L475R, L487R.
Identifiers: ClinVar variation 4851746 (VCV004851746.3).